The following is an entry in ClinVar:

NM_000059.4(BRCA2):c.4784A>C (p.Gln1595Pro)

Gene: BRCA2 (BRCA2 DNA repair associated; plus strand). Cytogenetic location: 13q13.1.
Variant type: single nucleotide variant.
Coding change: c.4784A>C on transcript NM_000059.4 (MANE Select); coding-DNA position 4784, A replaced by C.
Protein change: p.Gln1595Pro; replaces glutamine 1595 with proline.
Molecular consequence: missense variant.
Genome position (GRCh38, 1-based): chr13:32,339,139, A>C. VCF-style: chr13-32339139-A-C. GRCh37 (hg19) VCF-style: chr13-32913276-A-C.
Other names: short protein forms Q1595P.
Identifiers: ClinVar variation 183953 (VCV000183953.19), dbSNP rs786201184, ClinGen allele CA020833.
Genomic context (GRCh38, chr13:32,339,139, plus strand): 5'-ACCTTGAATTAGCATGTGAGACCATTGAGATCACAGCTGCCCCAAAGTGTAAAGAAATGC[A>C]GAATTCTCTCAATAATGATAAAAACCTTGTTTCTATTGAGACTGTGGTGCCACCTAAGCT-3'
Protein context (NP_000050.3, residues 1585-1605): ITAAPKCKEM[Gln1595Pro]NSLNNDKNLV

ClinVar aggregate classification (germline): Conflicting classifications of pathogenicity. Review status: criteria provided, conflicting classifications (1 of 4 stars). 5 submissions from 5 submitters: Uncertain significance (3); Likely benign (2). Last evaluated 2025-10-16.

Conditions:
Hereditary cancer-predisposing syndrome. Also called: Tumor predisposition; Hereditary Cancer Syndrome; Hereditary neoplastic syndrome; Neoplastic Syndromes, Hereditary. Identifiers: Orphanet 140162, MedGen C0027672, MeSH D009386, MONDO:0015356.
Hereditary breast ovarian cancer syndrome. Also called: Breast and ovarian cancer; Hereditary breast and ovarian cancer syndrome; Hereditary breast and ovarian cancer; BRCA1- and BRCA2-Associated Hereditary Breast and Ovarian Cancer; Hereditary breast and ovarian cancer syndrome (HBOC); Hereditary breast and/or ovarian cancer syndrome. Identifiers: Orphanet 145, MedGen C0677776, MeSH D061325, MONDO:0003582. Disease mechanism: loss of function.
Breast-ovarian cancer, familial, susceptibility to, 2 (BROVCA2). Also called: BRCA2 Hereditary Breast and Ovarian Cancer. Identifiers: Orphanet 145, MedGen C2675520, MONDO:0012933, OMIM 612555. Disease mechanism: loss of function.

Allele frequency attached by ClinVar (database versions not stated): gnomAD exomes 0.00001.
gnomAD v4.1: 8 of 1,614,018 alleles (0.0005%); highest among the groups gnomAD compares: Non-Finnish European, 0.00068%; no homozygotes.

Submissions (5):

Labcorp Genetics (formerly Invitae), Labcorp
Classification: Uncertain significance for Hereditary breast ovarian cancer syndrome. Last evaluated: 2025-10-16. Review status: criteria provided, single submitter. Criteria: Invitae Variant Classification Sherloc (09022015). Collection method: clinical testing. Allele origin: germline.
Comment: This sequence change replaces glutamine, which is neutral and polar, with proline, which is neutral and non-polar, at codon 1595 of the BRCA2 protein (p.Gln1595Pro). This variant is present in population databases (rs786201184, gnomAD 0.002%). This variant has not been reported in the literature in individuals affected with BRCA2-related conditions. ClinVar contains an entry for this variant (Variation ID: 183953). Invitae Evidence Modeling of protein sequence and biophysical properties (such as structural, functional, and spatial information, amino acid conservation, physicochemical variation, residue mobility, and thermodynamic stability) indicates that this missense variant is not expected to disrupt BRCA2 protein function with a negative predictive value of 95%. In summary, the available evidence is currently insufficient to determine the role of this variant in disease. Therefore, it has been classified as a Variant of Uncertain Significance.

Myriad Genetics, Inc.
Classification: Likely benign for Breast-ovarian cancer, familial, susceptibility to, 2. Last evaluated: 2024-10-08. Review status: criteria provided, single submitter. Criteria: Myriad Autosomal Dominant, Autosomal Recessive and X-Linked Classification Criteria (2023). Collection method: clinical testing. Allele origin: unknown.
Comment: This variant is considered likely benign. This variant is strongly associated with less severe personal and family histories of cancer, typical for individuals without pathogenic variants in this gene [PMID: 25085752].

Color Diagnostics, LLC DBA Color Health
Classification: Uncertain significance for Hereditary cancer-predisposing syndrome. Last evaluated: 2024-04-04. Review status: criteria provided, single submitter. Criteria: ACMG Guidelines, 2015. Collection method: clinical testing. Allele origin: germline.
Comment: This missense variant replaces glutamine with proline at codon 1595 of the BRCA2 protein. Computational prediction suggests that this variant may not impact protein structure and function. To our knowledge, functional studies have not been reported for this variant. In a large breast cancer case-control meta analysis conducted by the BRIDGES consortium, this variant was reported in 3/60466 cases and 1/53461 unaffected controls (PMID: 33471991; Leiden Open Variation Database DB-ID BRCA2_008255). This variant has been identified in 2/250570 chromosomes in the general population by the Genome Aggregation Database (gnomAD). The available evidence is insufficient to determine the role of this variant in disease conclusively. Therefore, this variant is classified as a Variant of Uncertain Significance.

Ambry Genetics
Classification: Uncertain significance for Hereditary cancer-predisposing syndrome. Last evaluated: 2023-12-04. Review status: criteria provided, single submitter. Criteria: Ambry Variant Classification Scheme 2023. Collection method: clinical testing. Allele origin: germline.
Comment: The p.Q1595P variant (also known as c.4784A>C), located in coding exon 10 of the BRCA2 gene, results from an A to C substitution at nucleotide position 4784. The glutamine at codon 1595 is replaced by proline, an amino acid with similar properties. This amino acid position is not well conserved in available vertebrate species. In addition, this alteration is predicted to be tolerated by in silico analysis. Since supporting evidence is limited at this time, the clinical significance of this alteration remains unclear.

University of Washington Department of Laboratory Medicine, University of Washington
Classification: Likely benign for Hereditary cancer-predisposing syndrome. Last evaluated: 2023-03-23. Review status: criteria provided, single submitter. Criteria: Dines et al. (Genet Med. 2020). Collection method: curation. Allele origin: germline.
Comment: Missense variant in a coldspot region where missense variants are very unlikely to be pathogenic (PMID:31911673).

BRCA2 exon 11 coldspot. Reclassification based on statistical prior probability.

Literature cited by the submitters: PubMed 25085752 (cited by Myriad Genetics, Inc.); PubMed 33471991 (cited by Color Diagnostics, LLC DBA Color Health).